The following is an entry in ClinVar:

NM_001191061.2(SLC25A22):c.412+10G>T

Gene: SLC25A22 (solute carrier family 25 member 22; minus strand). Cytogenetic location: 11p15.5.
Variant type: single nucleotide variant.
Coding change: c.412+10G>T on transcript NM_001191061.2 (MANE Select); 10 bases into the intron after coding-DNA position 412, G replaced by T.
Molecular consequence: intron variant.
Genome position (GRCh38, 1-based): chr11:792,860, C>A on the plus strand (G>T on the coding strand, the complement: SLC25A22 is on the minus strand). VCF-style: chr11-792860-C-A. GRCh37 (hg19) VCF-style: chr11-792860-C-A.
Other names: p.?; c.412+10G>T (NM_001191060.2, NM_024698.6).
Identifiers: ClinVar variation 159915 (VCV000159915.27), dbSNP rs113091974, ClinGen allele CA173478.
Genomic context (GRCh38, chr11:792,860, plus strand): 5'-TCCCCACCCTCCCCTCGCCCTCACCTCTTCCCGCACCTCTGCCCTCTCCTCCCCCTCCCC[C>A]CGCCCTCACCAATGCGCCCTGCATCCTGCAGCTGGATCTTCAGCATCTCCATGGGCGTGG-3'

ClinVar aggregate classification (germline): Benign. Review status: criteria provided, multiple submitters, no conflicts (2 of 4 stars). 8 submissions from 8 submitters: Benign (8). Last evaluated 2026-02-03.

Conditions:
Developmental and epileptic encephalopathy, 3 (DEE3). Also called: Epileptic encephalopathy, early infantile, 3. Identifiers: MedGen C5574665, MONDO:0012245, OMIM 609304.
Early-infantile DEE. Also called: Ohtahara syndrome; Early infantile epileptic encephalopathy; Early infantile epileptic encephalopathy with suppression bursts. Identifiers: Orphanet 1934, MedGen C0393706, MONDO:0800491.
Early Myoclonic Encephalopathy. Identifiers: MedGen C0270855.

Allele frequency attached by ClinVar (database versions not stated): gnomAD exomes 0.00983; TOPMed 0.04218; ExAC 0.01336; gnomAD 0.03661; 1000 Genomes Project 0.03894; 1000 Genomes Project 30x 0.03966; ESP Exome Variant Server 0.04173.
gnomAD v4.1: 11,295 of 1,449,026 alleles (0.78%); highest among the groups gnomAD compares: African/African-American, 13%; 656 homozygotes.

Submissions (8):

Labcorp Genetics (formerly Invitae), Labcorp
Classification: Benign for Early-infantile DEE. Last evaluated: 2026-02-03. Review status: criteria provided, single submitter. Criteria: Invitae Variant Classification Sherloc (09022015). Collection method: clinical testing. Allele origin: germline.

ARUP Laboratories, Molecular Genetics and Genomics, ARUP Laboratories
Classification: Benign for Developmental and epileptic encephalopathy, 3. Last evaluated: 2025-04-08. Review status: criteria provided, single submitter. Criteria: ARUP Molecular Germline Variant Investigation Process 2024. Collection method: clinical testing. Allele origin: germline.

Mayo Clinic Laboratories, Mayo Clinic
Classification: Benign. Last evaluated: 2022-12-18. Review status: criteria provided, single submitter. Criteria: ACMG Guidelines, 2015. Collection method: clinical testing. Allele origin: germline. Observed: 35 variant alleles.

Illumina Laboratory Services, Illumina
Classification: Benign for Developmental and epileptic encephalopathy, 3. Last evaluated: 2018-01-12. Review status: criteria provided, single submitter. Criteria: ICSL Variant Classification Criteria 13 December 2019. Collection method: clinical testing. Allele origin: germline.
Comment: This variant was observed in the ICSL laboratory as part of a predisposition screen in an ostensibly healthy population. It had not been previously curated by ICSL or reported in the Human Gene Mutation Database (HGMD: prior to June 1st, 2018), and was therefore a candidate for classification through an automated scoring system. Utilizing variant allele frequency, disease prevalence and penetrance estimates, and inheritance mode, an automated score was calculated to assess if this variant is too frequent to cause the disease. Based on the score and internal cut-off values, a variant classified as benign is not then subjected to further curation. The score for this variant resulted in a classification of benign for this disease.

GeneDx
Classification: Benign. Last evaluated: 2015-03-03. Review status: criteria provided, single submitter. Criteria: GeneDx Variant Classification Process June 2021. Collection method: clinical testing. Allele origin: germline. Affected: yes.

Genetic Services Laboratory, University of Chicago
Classification: Benign. Last evaluated: 2013-02-08. Review status: criteria provided, single submitter. Criteria: ACMG Guidelines, 2007. Collection method: clinical testing. Allele origin: germline. Inheritance: Autosomal recessive inheritance.

Breakthrough Genomics
Classification: Benign. Review status: criteria provided, single submitter. Criteria: ACMG Guidelines, 2015. Collection method: not provided. Allele origin: germline. Inheritance: Autosomal recessive inheritance. Affected: yes.

PreventionGenetics, part of Exact Sciences
Classification: Benign. Review status: criteria provided, single submitter. Criteria: ACMG Guidelines, 2015. Collection method: clinical testing. Allele origin: germline.